The following is an entry in ClinVar:

ClinVar aggregate classification (germline): Uncertain significance (1 of 4 stars; one submission).

Conditions:
Leigh syndrome (NULS). Also called: Leigh's necrotizing encephalopathy; Leigh's disease; Leigh's syndrome; LEIGH SYNDROME, NUCLEAR; Leigh Syndrome (mtDNA deletion); Leigh Disease. Identifiers: Orphanet 506, MedGen C2931891, MONDO:0009723, OMIM 256000.

Submission:

Wong Mito Lab, Molecular and Human Genetics, Baylor College of Medicine
Classification: Uncertain significance for Leigh syndrome. Last evaluated: 2019-10-17. Review status: criteria provided, single submitter. Criteria: Modified ACMG Guidelines (Unpublished). Collection method: clinical testing. Allele origin: germline.
Comment: The NC_012920.1:m.14144C>T (YP_003024036.1:p.Thr603Met) variant in MTND5 gene is interpretated to be a Uncertain Significance variant based on the modified ACMG guidelines (unpublished). This variant meets the following evidence codes: PP4, BP4

NC_012920.1(MT-ND5):m.14144C>T

Gene: MT-ND5 (mitochondrially encoded NADH dehydrogenase 5; plus strand).
Variant type: single nucleotide variant.
Genome position: chrM-14144-C-T.
Identifiers: ClinVar variation 693677 (VCV000693677.1), dbSNP rs1603224557, ClinGen allele CA414821109.
Genomic context (GRCh38, chrMT:14,144, plus strand): 5'-TAATTAAACTTTACTTCCTCTCTTTCTTCTTCCCACTCATCCTAACCCTACTCCTAATCA[C>T]ATAACCTATTCCCCCGAGCAATCTCAATTACAATATATACACCAACAAACAATGTTCAAC-3'